The following is an entry in ClinVar:

ClinVar aggregate classification (germline): Pathogenic (1 of 4 stars; one submission).

Conditions:
Hereditary diffuse gastric adenocarcinoma (HDGC). Also called: DIFFUSE GASTRIC AND LOBULAR BREAST CANCER SYNDROME. Identifiers: Orphanet 26106, MedGen C1708349, MONDO:0007648, OMIM 137215.

Submission:

Myriad Genetics, Inc.
Classification: Pathogenic for Hereditary diffuse gastric adenocarcinoma. Last evaluated: 2023-06-14. Review status: criteria provided, single submitter. Criteria: Myriad Autosomal Dominant, Autosomal Recessive and X-Linked Classification Criteria (2023). Collection method: clinical testing. Allele origin: unknown.
Comment: This variant is considered pathogenic. This variant creates a frameshift predicted to result in premature protein truncation.

NM_004360.5(CDH1):c.1689_1694delinsACGTA (p.Leu564fs)

Gene: CDH1 (cadherin 1; plus strand). Cytogenetic location: 16q22.1.
Variant type: Indel.
Coding change: c.1689_1694delinsACGTA on transcript NM_004360.5 (MANE Select); coding-DNA positions 1689 to 1694, CCTAAT replaced by ACGTA.
Protein change: p.Leu564fs; shifts the reading frame from leucine 564.
Molecular consequence: frameshift variant. On other transcripts: intron variant (1).
Genome position (GRCh38, 1-based): chr16:68,819,403-68,819,408, CCTAAT replaced by ACGTA. VCF-style: chr16-68819403-CCTAAT-ACGTA. GRCh37 (hg19) VCF-style: chr16-68853306-CCTAAT-ACGTA.
Other names: c.1506_1511delinsACGTA, p.Leu503fs (NM_001317184.2); c.141_146delinsACGTA, p.Leu48fs (NM_001317185.2); c.-254-2598_-254-2593delinsACGTA (NM_001317186.2); short protein forms L48fs, L503fs, L564fs.
Identifiers: ClinVar variation 2583454 (VCV002583454.2), dbSNP rs2543937890, ClinGen allele CA2582342526.